The following is an entry in ClinVar:

ClinVar aggregate classification (germline): Pathogenic. Review status: criteria provided, multiple submitters, no conflicts (2 of 4 stars). 5 submissions from 5 submitters: Pathogenic (4). 1 of the submissions does not count toward it. Last evaluated 2022-09-01.

Conditions:
Tuberous sclerosis 2 (TSC2). Identifiers: Orphanet 805, MedGen C1860707, MONDO:0013199, OMIM 613254.
Tuberous sclerosis syndrome (TSC). Also called: Tuberous Sclerosis Complex; Tuberous sclerosis. Identifiers: Orphanet 805, MedGen C0041341, MONDO:0001734.

Submissions (5):

Labcorp Genetics (formerly Invitae), Labcorp
Classification: Pathogenic for Tuberous sclerosis 2. Last evaluated: 2022-09-01. Review status: criteria provided, single submitter. Criteria: Invitae Variant Classification Sherloc (09022015). Collection method: clinical testing. Allele origin: germline.
Comment: For these reasons, this variant has been classified as Pathogenic. ClinVar contains an entry for this variant (Variation ID: 49650). This premature translational stop signal has been observed in individual(s) with tuberous sclerosis complex (PMID: 16114042). This variant is not present in population databases (gnomAD no frequency). This sequence change creates a premature translational stop signal (p.Leu697Phefs*6) in the TSC2 gene. It is expected to result in an absent or disrupted protein product. Loss-of-function variants in TSC2 are known to be pathogenic (PMID: 10205261, 17304050).

Genome-Nilou Lab
Classification: Pathogenic for Tuberous sclerosis 2. Last evaluated: 2021-11-07. Review status: criteria provided, single submitter. Criteria: ACMG Guidelines, 2015. Collection method: clinical testing. Allele origin: germline. Affected: no.

Athena Diagnostics
Classification: Pathogenic. Last evaluated: 2020-06-03. Review status: criteria provided, single submitter. Criteria: Athena Diagnostics Criteria. Collection method: clinical testing. Allele origin: unknown.
Comment: The variant results in a shift of the reading frame, and is therefore predicted to result in the loss of a functional protein. Found in at least one patient with expected phenotype for this gene, and not found in general population data.

GeneDx
Classification: Pathogenic. Last evaluated: 2017-06-20. Review status: criteria provided, single submitter. Criteria: GeneDx Variant Classification (06012015). Collection method: clinical testing. Allele origin: germline. Affected: yes.
Comment: The c.2090dupT pathogenic variant in the TSC2 gene has been reported previously in an individual with a clinical diagnosis of TSC (Rendtorff et al., 2005). The duplication causes a frameshift starting with codon Leucine 697, changes this amino acid to a Phenylalanine residue and creates a premature Stop codon at position 6 of the new reading frame, denoted p.Leu697PhefsX6. This pathogenic variant is predicted to cause loss of normal protein function either through protein truncation or nonsense-mediated mRNA decay. Furthermore, the c.2090dupT variant is not observed in large population cohorts (Lek et al., 2016; 1000 Genomes Consortium et al., 2015; Exome Variant Server).

Tuberous sclerosis database (TSC2)
No classification provided. Condition: TSC. Review status: no classification provided. Criteria: Tuberous Sclerosis Database Assertion Criteria 2015. Collection method: curation. Allele origin: germline. Affected: yes. Not counted in ClinVar's aggregate classification.

Literature cited by the submitters: PubMed 16114042 (cited by Labcorp Genetics (formerly Invitae), Labcorp and Athena Diagnostics); PubMed 10205261 (cited by Labcorp Genetics (formerly Invitae), Labcorp); PubMed 17304050 (cited by Labcorp Genetics (formerly Invitae), Labcorp).

NM_000548.5(TSC2):c.2090dup (p.Leu697fs)

Gene: TSC2 (TSC complex subunit 2; plus strand). Cytogenetic location: 16p13.3.
Variant type: Duplication.
Coding change: c.2090dup on transcript NM_000548.5 (MANE Select); coding-DNA position 2090, one base duplicated (T; older notation c.2090dupT).
Protein change: p.Leu697fs; shifts the reading frame from leucine 697.
Molecular consequence: frameshift variant.
Genome position (GRCh38, 1-based): chr16:2,071,927, T duplicated; the last of 2 consecutive T bases (chr16:2,071,926-2,071,927); duplicating either gives the same sequence. VCF-style (leftmost placement, unchanged base first): chr16-2071925-C-CT. GRCh37 (hg19) VCF-style: chr16-2121926-C-CT.
Other names: c.2090dup, p.Leu697fs (NM_001077183.3, NM_001114382.3, NM_001363528.2 and 3 more transcripts); c.1979dup, p.Leu660fs (NM_001318827.2); c.1943dup, p.Leu648fs (NM_001318829.2); c.1490dup, p.Leu497fs (NM_001318831.2); c.2123dup, p.Leu708fs (NM_001318832.2); short protein forms L497fs, L660fs, L697fs, L648fs, L708fs.
Identifiers: ClinVar variation 49650 (VCV000049650.13), dbSNP rs137854189, ClinGen allele CA016661.